The following is an entry in ClinVar:

NM_017514.5(PLXNA3):c.4770C>T (p.Thr1590=)

Gene: PLXNA3 (plexin A3; plus strand). Cytogenetic location: Xq28.
Variant type: single nucleotide variant.
Coding change: c.4770C>T on transcript NM_017514.5 (MANE Select); coding-DNA position 4770, C replaced by T.
Protein change: p.Thr1590=; no amino-acid change (threonine 1590 retained).
Molecular consequence: synonymous variant.
Genome position (GRCh38, 1-based): chrX:154,469,759, C>T. VCF-style: chrX-154469759-C-T. GRCh37 (hg19) VCF-style: chrX-153698102-C-T.
Identifiers: ClinVar variation 5001304 (VCV005001304.1).
Genomic context (GRCh38, chrX:154,469,759, plus strand): 5'-TTCCTTGGTGGCATTGGTGCCCAAACAAGTGTCTGCCTATAACATGGCCAACTCCTTCAC[C>T]TTCACCCGCTCCCTCAGCCGCTACGGTAGGTGTCCTCAGTGTGGTGGCCATGTGCCCTTC-3'
Protein context (NP_059984.3, residues 1580-1600): VSAYNMANSF[Thr1590=]FTRSLSRYES

ClinVar aggregate classification (germline): Likely benign (1 of 4 stars; one submission).

Conditions:
PLXNA3-related disorder. Also called: PLXNA3-related condition.

Submission:

PreventionGenetics, part of Exact Sciences
Classification: Likely benign for PLXNA3-related condition. Last evaluated: 2024-12-10. Review status: criteria provided, single submitter. Criteria: ACMG Guidelines, 2015. Collection method: clinical testing. Allele origin: germline.
Comment: This variant is classified as likely benign based on ACMG/AMP sequence variant interpretation guidelines (Richards et al. 2015 PMID: 25741868, with internal and published modifications).